The following is an entry in ClinVar:

ClinVar aggregate classification (germline): Uncertain significance (1 of 4 stars; one submission).

Allele frequency attached by ClinVar (database versions not stated): gnomAD exomes below 0.00001; TOPMed below 0.00001; ExAC 0.00001; gnomAD 0.00001; 1000 Genomes Project 30x 0.00016; 1000 Genomes Project 0.00020.
gnomAD v4.1: 7 of 1,611,252 alleles (0.00043%); highest among the groups gnomAD compares: African/African-American, 0.0093%; no homozygotes.

Submission:

Labcorp Genetics (formerly Invitae), Labcorp
Classification: Uncertain significance. Last evaluated: 2022-10-13. Review status: criteria provided, single submitter. Criteria: Invitae Variant Classification Sherloc (09022015). Collection method: clinical testing. Allele origin: germline.
Comment: In summary, the available evidence is currently insufficient to determine the role of this variant in disease. Therefore, it has been classified as a Variant of Uncertain Significance. Advanced modeling of protein sequence and biophysical properties (such as structural, functional, and spatial information, amino acid conservation, physicochemical variation, residue mobility, and thermodynamic stability) performed at Invitae indicates that this missense variant is not expected to disrupt KCNV2 protein function. ClinVar contains an entry for this variant (Variation ID: 1008262). This variant has not been reported in the literature in individuals affected with KCNV2-related conditions. This variant is present in population databases (rs574582499, gnomAD 0.007%). This sequence change replaces glutamine, which is neutral and polar, with proline, which is neutral and non-polar, at codon 410 of the KCNV2 protein (p.Gln410Pro).

NM_133497.4(KCNV2):c.1229A>C (p.Gln410Pro)

Gene: KCNV2 (potassium voltage-gated channel modifier subfamily V member 2; plus strand). Cytogenetic location: 9p24.2.
Variant type: single nucleotide variant.
Coding change: c.1229A>C on transcript NM_133497.4 (MANE Select); coding-DNA position 1229, A replaced by C.
Protein change: p.Gln410Pro; replaces glutamine 410 with proline.
Molecular consequence: missense variant.
Genome position (GRCh38, 1-based): chr9:2,718,968, A>C. VCF-style: chr9-2718968-A-C. GRCh37 (hg19) VCF-style: chr9-2718968-A-C.
Other names: short protein forms Q410P.
Identifiers: ClinVar variation 1008262 (VCV001008262.10), dbSNP rs574582499, ClinGen allele CA4965832.